The following is an entry in ClinVar:

NM_000518.5(HBB):c.316-12_316-7delinsCTCCTA

Genes: HBB (hemoglobin subunit beta; minus strand), LOC107133510 (origin of replication at HBB; plus strand), LOC110006319 (beta-globin gene 3' regulatory region; plus strand). Cytogenetic location: 11p15.4.
Variant type: Indel.
Coding change: c.316-12_316-7delinsCTCCTA on transcript NM_000518.5 (MANE Select); 12 bases into the intron before coding-DNA position 316 through 7 bases into the intron before coding-DNA position 316, TTCCTC replaced by CTCCTA.
Molecular consequence: intron variant.
Genome position (GRCh38, 1-based): chr11:5,225,733-5,225,738, GAGGAA replaced by TAGGAG on the plus strand (TTCCTC replaced by CTCCTA on the coding strand, the reverse complement: HBB is on the minus strand). VCF-style: chr11-5225733-GAGGAA-TAGGAG. GRCh37 (hg19) VCF-style: chr11-5246963-GAGGAA-TAGGAG.
Identifiers: ClinVar variation 4848400 (VCV004848400.1).

ClinVar aggregate classification (germline): Pathogenic (1 of 4 stars; one submission).

Conditions:
beta Thalassemia (BTHAL). Also called: Cooley's anemia; Erythroblastic anemia; Mediterranean anemia. Identifiers: Orphanet 848, MedGen C0005283, MONDO:0019402. Disease mechanism: loss of function.

Submission:

Women's Health and Genetics/Laboratory Corporation of America, LabCorp
Classification: Pathogenic for beta Thalassemia. Last evaluated: 2026-04-20. Review status: criteria provided, single submitter. Criteria: LabCorp Variant Classification Summary - May 2015. Collection method: clinical testing. Allele origin: germline.
Comment: Variant summary: HBB c.316-12_316-7delinsCTCCTA alters a nucleotide located at a position not widely known to affect splicing. Consensus agreement among computation tools predict no significant impact on normal splicing. However, these predictions have yet to be confirmed by functional studies. This variant has also been described as a complex allele, c.[316-12T>C;316-7C>A], with the individual variants known under legacy nomenclature as IVS-II-839 (T>C) and IVS-II-844 (C>A), respectively. Based on the frequency of each constituent variant in the gnomAD database, this variant allele is expected to occur at a frequency of 4e-06 in 251142 control chromosomes. c.316-12_316-7delinsCTCCTA has been observed in multiple individuals affected with mild Beta Thalassemia (e.g. Waye_2013, Belisario_2015). These data indicate that the variant is very likely to be associated with disease. To our knowledge, no experimental evidence demonstrating an impact on protein function has been reported. The following publications have been ascertained in the context of this evaluation (PMID: 23651435, 26041423). No submitters have cited clinical-significance assessments for this variant to ClinVar. Based on the evidence outlined above, the variant was classified as pathogenic.

Literature cited by the submitters: PubMed 23651435; PubMed 26041423.